The following is an entry in ClinVar:

NM_001159773.2(CANT1):c.*1440G>A

Gene: CANT1 (calcium activated nucleotidase 1; minus strand). Cytogenetic location: 17q25.3.
Variant type: single nucleotide variant.
Coding change: c.*1440G>A on transcript NM_001159773.2 (MANE Select); 1440 bases downstream of the stop codon, G replaced by A.
Molecular consequence: 3 prime UTR variant.
Genome position (GRCh38, 1-based): chr17:78,992,110, C>T on the plus strand (G>A on the coding strand, the complement: CANT1 is on the minus strand). VCF-style: chr17-78992110-C-T. GRCh37 (hg19) VCF-style: chr17-76988192-C-T.
Other names: c.*1440G>A (NM_001159772.2, NM_138793.4).
Identifiers: ClinVar variation 325669 (VCV000325669.6), dbSNP rs4861, ClinGen allele CA10651188.
Genomic context (GRCh38, chr17:78,992,110, plus strand): 5'-GACTTGGGGCTTCCAGGCTATGCCCGGTGACAGCTGAGCTCTTCAGAAATGCGTCACATT[C>T]AGCGTTCACTTCCTTCGCTTCCTCCACTACCTATGACATAGCGGGGGAAAGAGACAACCA-3'

ClinVar aggregate classification (germline): Benign. Review status: criteria provided, multiple submitters, no conflicts (2 of 4 stars). 2 submissions from 2 submitters: Benign (2). Last evaluated 2018-01-13.

Conditions:
Desbuquois dysplasia 1 (DBQD1). Also called: MICROMELIC DWARFISM WITH VERTEBRAL AND METAPHYSEAL ABNORMALITIES AND ADVANCED CARPOTARSAL OSSIFICATION; DESBUQUOIS DYSPLASIA 1, KIM VARIANT. Identifiers: Orphanet 1425, MedGen C4012146, MONDO:0009629, OMIM 251450.

Allele frequency attached by ClinVar (database versions not stated): gnomAD exomes 0.13942; gnomAD 0.14246 and 0.14710; TOPMed 0.15887; 1000 Genomes Project 0.21166; 1000 Genomes Project 30x 0.21627.
gnomAD v4.1: 33,566 of 232,206 alleles (14%); highest among the groups gnomAD compares: East Asian, 27%; 2,962 homozygotes.

Submissions (2):

Illumina Laboratory Services, Illumina
Classification: Benign for Desbuquois dysplasia 1. Last evaluated: 2018-01-13. Review status: criteria provided, single submitter. Criteria: ICSL Variant Classification Criteria 13 December 2019. Collection method: clinical testing. Allele origin: germline.
Comment: This variant was observed in the ICSL laboratory as part of a predisposition screen in an ostensibly healthy population. It had not been previously curated by ICSL or reported in the Human Gene Mutation Database (HGMD: prior to June 1st, 2018), and was therefore a candidate for classification through an automated scoring system. Utilizing variant allele frequency, disease prevalence and penetrance estimates, and inheritance mode, an automated score was calculated to assess if this variant is too frequent to cause the disease. Based on the score and internal cut-off values, a variant classified as benign is not then subjected to further curation. The score for this variant resulted in a classification of benign for this disease.

Breakthrough Genomics
Classification: Benign. Review status: criteria provided, single submitter. Criteria: ACMG Guidelines, 2015. Collection method: not provided. Allele origin: germline. Inheritance: Autosomal recessive inheritance. Affected: yes.